The following is an entry in ClinVar:

NM_015346.4(ZFYVE26):c.946C>G (p.Pro316Ala)

Gene: ZFYVE26 (zinc finger FYVE-type containing 26; minus strand). Cytogenetic location: 14q24.1.
Variant type: single nucleotide variant.
Coding change: c.946C>G on transcript NM_015346.4 (MANE Select); coding-DNA position 946, C replaced by G.
Protein change: p.Pro316Ala; replaces proline 316 with alanine.
Molecular consequence: missense variant.
Genome position (GRCh38, 1-based): chr14:67,806,616, G>C on the plus strand (C>G on the coding strand, the complement: ZFYVE26 is on the minus strand). VCF-style: chr14-67806616-G-C. GRCh37 (hg19) VCF-style: chr14-68273333-G-C.
Other names: short protein forms P316A.
Identifiers: ClinVar variation 2169799 (VCV002169799.4), dbSNP rs2502877137, ClinGen allele CA390160251.
Genomic context (GRCh38, chr14:67,806,616, plus strand): 5'-CGAGGAAGTGTTTGTTGTTGCTCAGGCAGTAGAAATAGGCCACTTTCCAAGCCTCGGCTG[G>C]GTTGGGATTGGAGAACAGGGCTAGCATTGCCCGCTCAGGATCTAGATGATCCGGTGAGAC-3'
Protein context (NP_056161.2, residues 306-326): AMLALFSNPN[Pro316Ala]AEAWKVAYFY

ClinVar aggregate classification (germline): Uncertain significance (1 of 4 stars; one submission).

Conditions:
Spastic paraplegia. Identifiers: MedGen C0037772, HP:0001258.

Submission:

Labcorp Genetics (formerly Invitae), Labcorp
Classification: Uncertain significance for Spastic paraplegia. Last evaluated: 2022-04-29. Review status: criteria provided, single submitter. Criteria: Invitae Variant Classification Sherloc (09022015). Collection method: clinical testing. Allele origin: germline.
Comment: In summary, the available evidence is currently insufficient to determine the role of this variant in disease. Therefore, it has been classified as a Variant of Uncertain Significance. Algorithms developed to predict the effect of missense changes on protein structure and function (SIFT, PolyPhen-2, Align-GVGD) all suggest that this variant is likely to be tolerated. This variant has not been reported in the literature in individuals affected with ZFYVE26-related conditions. This sequence change replaces proline, which is neutral and non-polar, with alanine, which is neutral and non-polar, at codon 316 of the ZFYVE26 protein (p.Pro316Ala). This variant is not present in population databases (gnomAD no frequency).